The following is an entry in ClinVar:

ClinVar aggregate classification (germline): Pathogenic/Likely pathogenic. Review status: criteria provided, multiple submitters, no conflicts (2 of 4 stars). 2 submissions from 2 submitters: Pathogenic (1); Likely pathogenic (1). Last evaluated 2024-03-06.

Conditions:
NEU1-related disorders.

Allele frequency attached by ClinVar (database versions not stated): gnomAD exomes below 0.00001.

Submissions (2):

Blueprint Genetics
Classification: Likely pathogenic for NEU1-related disorders. Last evaluated: 2024-03-06. Review status: criteria provided, single submitter. Criteria: ACMG Guidelines, 2015. Collection method: clinical testing. Allele origin: germline. Affected: yes. Observed: 2 variant alleles.

Labcorp Genetics (formerly Invitae), Labcorp
Classification: Pathogenic. Last evaluated: 2023-09-04. Review status: criteria provided, single submitter. Criteria: Invitae Variant Classification Sherloc (09022015). Collection method: clinical testing. Allele origin: germline.
Comment: This variant has not been reported in the literature in individuals affected with NEU1-related conditions. For these reasons, this variant has been classified as Pathogenic. This variant disrupts a region of the NEU1 protein in which other variant(s) (p.Arg347Gln) have been determined to be pathogenic (PMID: 25600812; Invitae). This suggests that this is a clinically significant region of the protein, and that variants that disrupt it are likely to be disease-causing. This variant is not present in population databases (gnomAD no frequency). This sequence change creates a premature translational stop signal (p.Ile329Serfs*65) in the NEU1 gene. While this is not anticipated to result in nonsense mediated decay, it is expected to disrupt the last 87 amino acid(s) of the NEU1 protein.

Literature cited by the submitters: PubMed 25600812 (cited by Labcorp Genetics (formerly Invitae), Labcorp).

NM_000434.4(NEU1):c.986_987del (p.Ile329fs)

Gene: NEU1 (neuraminidase 1; minus strand). Cytogenetic location: 6p21.33.
Variant type: Deletion.
Coding change: c.986_987del on transcript NM_000434.4 (MANE Select); coding-DNA positions 986 to 987, 2 bases deleted (TT; older notation c.986_987delTT).
Protein change: p.Ile329fs; shifts the reading frame from isoleucine 329.
Molecular consequence: frameshift variant.
Genome position (GRCh38, 1-based): chr6:31,860,076-31,860,077, AA deleted on the plus strand (TT on the coding strand, the reverse complement: NEU1 is on the minus strand). VCF-style (leftmost placement, unchanged base first): chr6-31860075-CAA-C. GRCh37 (hg19) VCF-style: chr6-31827852-CAA-C.
Other names: short protein forms I329fs.
Identifiers: ClinVar variation 2983112 (VCV002983112.4), dbSNP rs2481394317, ClinGen allele CA2678053451.